The following is an entry in ClinVar:

NM_000827.4(GRIA1):c.2607C>T (p.Ser869=)

Gene: GRIA1 (glutamate ionotropic receptor AMPA type subunit 1; plus strand). Cytogenetic location: 5q33.2.
Variant type: single nucleotide variant.
Coding change: c.2607C>T on transcript NM_000827.4 (MANE Select); coding-DNA position 2607, C replaced by T.
Protein change: p.Ser869=; no amino-acid change (serine 869 retained).
Molecular consequence: synonymous variant. On other transcripts: non-coding transcript variant (2).
Genome position (GRCh38, 1-based): chr5:153,811,111, C>T. VCF-style: chr5-153811111-C-T. GRCh37 (hg19) VCF-style: chr5-153190671-C-T.
Other names: c.2607C>T, p.Ser869= (NM_001114183.2); c.2367C>T, p.Ser789= (NM_001258019.2); c.2322C>T, p.Ser774= (NM_001258020.2); c.2637C>T, p.Ser879= (NM_001258021.2, NM_001258022.2); c.2400C>T, p.Ser800= (NM_001258023.1, NM_001364167.2); c.2439C>T, p.Ser813= (NM_001364165.2); c.2634C>T, p.Ser878= (NM_001364166.2).
Identifiers: ClinVar variation 746504 (VCV000746504.6), dbSNP rs201719424, ClinGen allele CA3524899.
Genomic context (GRCh38, chr5:153,811,111, plus strand): 5'-CATCAACGAAGCCATACGGACATCGACCCTCCCCCGCAACAGCGGGGCAGGAGCCAGCAG[C>T]GGCGGCAGTGGAGAGAATGGTCGGGTGGTCAGCCATGACTTCCCCAAGTCCATGCAATCG-3'
Protein context (NP_000818.2, residues 859-879): LPRNSGAGAS[Ser869=]GGSGENGRVV

ClinVar aggregate classification (germline): Likely benign. Review status: criteria provided, single submitter (1 of 4 stars). 2 submissions from 2 submitters: Likely benign (1). 1 of the submissions does not count toward it. Last evaluated 2019-12-31.

Conditions:
GRIA1-related disorder. Also called: GRIA1-related condition.

Allele frequency attached by ClinVar (database versions not stated): gnomAD exomes 0.00003 and 0.00006; ExAC 0.00006; gnomAD 0.00016; TOPMed 0.00034; 1000 Genomes Project 0.00040; 1000 Genomes Project 30x 0.00047.
gnomAD v4.1: 70 of 1,613,882 alleles (0.0043%); highest among the groups gnomAD compares: Admixed American, 0.062%; no homozygotes.

Submissions (2):

Labcorp Genetics (formerly Invitae), Labcorp
Classification: Likely benign. Last evaluated: 2019-12-31. Review status: criteria provided, single submitter. Criteria: Invitae Variant Classification Sherloc (09022015). Collection method: clinical testing. Allele origin: germline.

PreventionGenetics, part of Exact Sciences
Classification: Likely benign for GRIA1-related condition. Last evaluated: 2019-08-26. Review status: no assertion criteria provided. Collection method: clinical testing. Allele origin: germline. Not counted in ClinVar's aggregate classification.
Comment: This variant is classified as likely benign based on ACMG/AMP sequence variant interpretation guidelines (Richards et al. 2015 PMID: 25741868, with internal and published modifications).